The following is an entry in ClinVar:

NM_181507.2(HPS5):c.347A>G (p.Tyr116Cys)

Genes: HPS5 (HPS5 biogenesis of lysosomal organelles complex 2 subunit 2; minus strand), LOC130005404 (ATAC-STARR-seq lymphoblastoid active region 4495; plus strand). Cytogenetic location: 11p15.1.
Variant type: single nucleotide variant.
Coding change: c.347A>G on transcript NM_181507.2 (MANE Select); coding-DNA position 347, A replaced by G.
Protein change: p.Tyr116Cys; replaces tyrosine 116 with cysteine.
Molecular consequence: missense variant.
Genome position (GRCh38, 1-based): chr11:18,310,871, T>C on the plus strand (A>G on the coding strand, the complement: HPS5 is on the minus strand). VCF-style: chr11-18310871-T-C. GRCh37 (hg19) VCF-style: chr11-18332418-T-C.
Other names: c.5A>G, p.Tyr2Cys (NM_007216.4, NM_181508.2); short protein forms Y116C, Y2C.
Identifiers: ClinVar variation 1977676 (VCV001977676.2), dbSNP rs148282299, ClinGen allele CA5910455.

ClinVar aggregate classification (germline): Uncertain significance (1 of 4 stars; one submission).

Allele frequency attached by ClinVar (database versions not stated): ExAC 0.00001; gnomAD 0.00001; gnomAD exomes 0.00002; 1000 Genomes Project 30x 0.00016; 1000 Genomes Project 0.00020.
gnomAD v4.1: 35 of 1,611,904 alleles (0.0022%); highest among the groups gnomAD compares: East Asian, 0.045%; no homozygotes.

Submission:

Labcorp Genetics (formerly Invitae), Labcorp
Classification: Uncertain significance. Last evaluated: 2022-07-03. Review status: criteria provided, single submitter. Criteria: Invitae Variant Classification Sherloc (09022015). Collection method: clinical testing. Allele origin: germline.
Comment: This sequence change replaces tyrosine, which is neutral and polar, with cysteine, which is neutral and slightly polar, at codon 116 of the HPS5 protein (p.Tyr116Cys). This variant is present in population databases (rs148282299, gnomAD 0.006%). This variant has not been reported in the literature in individuals affected with HPS5-related conditions. Algorithms developed to predict the effect of missense changes on protein structure and function output the following: SIFT: "Tolerated"; PolyPhen-2: "Benign"; Align-GVGD: "Class C0". The cysteine amino acid residue is found in multiple mammalian species, which suggests that this missense change does not adversely affect protein function. In summary, the available evidence is currently insufficient to determine the role of this variant in disease. Therefore, it has been classified as a Variant of Uncertain Significance.